The following is an entry in ClinVar:

ClinVar aggregate classification (germline): Benign. Review status: criteria provided, multiple submitters, no conflicts (2 of 4 stars). 3 submissions from 3 submitters: Benign (3). Last evaluated 2025-02-01.

Allele frequency attached by ClinVar (database versions not stated): 1000 Genomes Project 30x 0.00375; 1000 Genomes Project 0.00399; TOPMed 0.00527; gnomAD 0.00567 and 0.00600; ESP Exome Variant Server 0.00700; gnomAD exomes 0.00709 and 0.00755; ExAC 0.00777.
gnomAD v4.1: 11,287 of 1,613,802 alleles (0.7%); highest among the groups gnomAD compares: Middle Eastern, 1.5%; 49 homozygotes.

Submissions (3):

CeGaT Center for Human Genetics Tuebingen
Classification: Benign. Last evaluated: 2025-02-01. Review status: criteria provided, single submitter. Criteria: CeGaT Center For Human Genetics Tuebingen Variant Classification Criteria Version 2. Collection method: clinical testing. Allele origin: germline. Affected: yes. Observed: 1 variant allele.
Comment: TBC1D2: BP4, BS1, BS2

Labcorp Genetics (formerly Invitae), Labcorp
Classification: Benign. Last evaluated: 2018-06-14. Review status: criteria provided, single submitter. Criteria: Invitae Variant Classification Sherloc (09022015). Collection method: clinical testing. Allele origin: germline.

Breakthrough Genomics
Classification: Benign. Review status: criteria provided, single submitter. Criteria: ACMG Guidelines, 2015. Collection method: not provided. Allele origin: germline. Inheritance: Unknown mechanism. Affected: yes.

NM_001267571.2(TBC1D2):c.2746G>A (p.Glu916Lys)

Gene: TBC1D2 (TBC1 domain family member 2; minus strand). Cytogenetic location: 9q22.33.
Variant type: single nucleotide variant.
Coding change: c.2746G>A on transcript NM_001267571.2 (MANE Select); coding-DNA position 2746, G replaced by A.
Protein change: p.Glu916Lys; replaces glutamic acid 916 with lysine.
Molecular consequence: missense variant. On other transcripts: non-coding transcript variant (1).
Genome position (GRCh38, 1-based): chr9:98,199,422, C>T on the plus strand (G>A on the coding strand, the complement: TBC1D2 is on the minus strand). VCF-style: chr9-98199422-C-T. GRCh37 (hg19) VCF-style: chr9-100961704-C-T.
Other names: c.1366G>A, p.Glu456Lys (NM_001267572.1); c.2713G>A, p.Glu905Lys (NM_018421.4); short protein forms E456K, E916K, E905K.
Identifiers: ClinVar variation 770388 (VCV000770388.17), dbSNP rs34769888, ClinGen allele CA5151485.